The following is an entry in ClinVar:

ClinVar aggregate classification (germline): Uncertain significance (1 of 4 stars; one submission).

Submission:

Ambry Genetics
Classification: Uncertain significance. Last evaluated: 2026-04-20. Review status: criteria provided, single submitter. Criteria: Ambry Variant Classification Scheme 2023. Collection method: clinical testing. Allele origin: germline.
Comment: The p.Q664R variant (also known as c.1991A>G), located in coding exon 8 of the WNK2 gene, results from an A to G substitution at nucleotide position 1991. The glutamine at codon 664 is replaced by arginine, an amino acid with highly similar properties. This amino acid position is conserved. In addition, this alteration is predicted to be tolerated by in silico analysis. Based on the available evidence, the clinical significance of this variant remains unclear.

NM_006648.4(WNK2):c.1991A>G (p.Gln664Arg)

Gene: WNK2 (WNK lysine deficient protein kinase 2; plus strand). Cytogenetic location: 9q22.31.
Variant type: single nucleotide variant.
Coding change: c.1991A>G on transcript NM_006648.4 (MANE Select); coding-DNA position 1991, A replaced by G.
Protein change: p.Gln664Arg; replaces glutamine 664 with arginine.
Molecular consequence: missense variant.
Genome position (GRCh38, 1-based): chr9:93,253,039, A>G. VCF-style: chr9-93253039-A-G. GRCh37 (hg19) VCF-style: chr9-96015321-A-G.
Other names: c.1991A>G, p.Gln664Arg (NM_001282394.3); short protein forms Q664R.
Identifiers: ClinVar variation 4866605 (VCV004866605.1).